The following is an entry in ClinVar:

NM_001271.4(CHD2):c.1244G>A (p.Cys415Tyr)

Gene: CHD2 (chromodomain helicase DNA binding protein 2; plus strand). Cytogenetic location: 15q26.1.
Variant type: single nucleotide variant.
Coding change: c.1244G>A on transcript NM_001271.4 (MANE Select); coding-DNA position 1244, G replaced by A.
Protein change: p.Cys415Tyr; replaces cysteine 415 with tyrosine.
Molecular consequence: missense variant.
Genome position (GRCh38, 1-based): chr15:92,946,083, G>A. VCF-style: chr15-92946083-G-A. GRCh37 (hg19) VCF-style: chr15-93489313-G-A.
Other names: c.1244G>A (NM_001271.3); c.1244G>A, p.Cys415Tyr (NM_001042572.3); short protein forms C415Y.
Identifiers: ClinVar variation 2092796 (VCV002092796.5), dbSNP rs2505458984, ClinGen allele CA393903685.

ClinVar aggregate classification (germline): Uncertain significance (1 of 4 stars; one submission).

Conditions:
Developmental and epileptic encephalopathy 94 (DEE94). Also called: Epileptic encephalopathy, childhood-onset; CHD2-Related Neurodevelopmental Disorders. Identifiers: Orphanet 1942, Orphanet 2382, MedGen C3809278, MONDO:0014150, OMIM 615369.

Submission:

Labcorp Genetics (formerly Invitae), Labcorp
Classification: Uncertain significance for Developmental and epileptic encephalopathy 94. Last evaluated: 2022-09-28. Review status: criteria provided, single submitter. Criteria: Invitae Variant Classification Sherloc (09022015). Collection method: clinical testing. Allele origin: germline.
Comment: In summary, the available evidence is currently insufficient to determine the role of this variant in disease. Therefore, it has been classified as a Variant of Uncertain Significance. Algorithms developed to predict the effect of missense changes on protein structure and function (SIFT, PolyPhen-2, Align-GVGD) all suggest that this variant is likely to be disruptive. This variant has not been reported in the literature in individuals affected with CHD2-related conditions. This variant is not present in population databases (gnomAD no frequency). This sequence change replaces cysteine, which is neutral and slightly polar, with tyrosine, which is neutral and polar, at codon 415 of the CHD2 protein (p.Cys415Tyr).